The following is an entry in ClinVar:

ClinVar aggregate classification (germline): Uncertain significance. Review status: criteria provided, multiple submitters, no conflicts (2 of 4 stars). 2 submissions from 2 submitters: Uncertain significance (2). Last evaluated 2023-08-15.

Conditions:
ALG1-congenital disorder of glycosylation. Also called: ALG1-CDG; CONGENITAL DISORDER OF GLYCOSYLATION, TYPE Ik; CDG Ik. Identifiers: Orphanet 79327, MedGen C2931005, MONDO:0012052, OMIM 608540.

Submissions (2):

Mayo Clinic Laboratories, Mayo Clinic
Classification: Uncertain significance. Last evaluated: 2023-08-15. Review status: criteria provided, single submitter. Criteria: ACMG Guidelines, 2015. Collection method: clinical testing. Allele origin: germline. Observed: 1 variant allele.
Comment: PM4

Labcorp Genetics (formerly Invitae), Labcorp
Classification: Uncertain significance for ALG1-congenital disorder of glycosylation. Last evaluated: 2022-08-09. Review status: criteria provided, single submitter. Criteria: Invitae Variant Classification Sherloc (09022015). Collection method: clinical testing. Allele origin: germline.
Comment: This variant, c.28_45dup, results in the insertion of 6 amino acid(s) of the ALG1 protein (p.Ala10_Leu15dup), but otherwise preserves the integrity of the reading frame. This variant is present in population databases (rs759846379, gnomAD 0.03%). This variant has not been reported in the literature in individuals affected with ALG1-related conditions. Experimental studies and prediction algorithms are not available or were not evaluated, and the functional significance of this variant is currently unknown. In summary, the available evidence is currently insufficient to determine the role of this variant in disease. Therefore, it has been classified as a Variant of Uncertain Significance.

NM_019109.5(ALG1):c.28_45dup (p.Leu15_Pro16insAlaLeuCysLeuLeuLeu)

Gene: ALG1 (ALG1 chitobiosyldiphosphodolichol beta-mannosyltransferase; plus strand). Cytogenetic location: 16p13.3.
Variant type: Duplication.
Coding change: c.28_45dup on transcript NM_019109.5 (MANE Select); coding-DNA positions 28 to 45, 18 bases duplicated (GCGCTGTGTCTGCTGCTG).
Protein change: p.Leu15_Pro16insAlaLeuCysLeuLeuLeu.
Molecular consequence: inframe insertion.
Genome position (GRCh38, 1-based): chr16:5,071,877-5,071,894, GCGCTGTGTCTGCTGCTG duplicated; duplicating any 18 consecutive bases within chr16:5,071,871-5,071,894 gives the same sequence; the c. name uses the placement nearest the transcript's 3' end. VCF-style (leftmost placement, unchanged base first): chr16-5071870-C-CCTGCTGGCGCTGTGTCTG. GRCh37 (hg19) VCF-style: chr16-5121871-C-CCTGCTGGCGCTGTGTCTG.
Other names: p.Ala10_Leu15dup.
Identifiers: ClinVar variation 2173727 (VCV002173727.2), dbSNP rs759846379, ClinGen allele CA7889636.